The following is an entry in ClinVar:

NC_000019.9:g.(1051294_1051447)_1051977del

Gene: ABCA7 (ATP binding cassette subfamily A member 7; plus strand). Cytogenetic location: 19p13.3.
Variant type: Deletion.
Identifiers: ClinVar variation 4848415 (VCV004848415.1).

ClinVar aggregate classification (germline): Uncertain significance (1 of 4 stars; one submission).

Submission:

Women's Health and Genetics/Laboratory Corporation of America, LabCorp
Classification: Uncertain significance. Last evaluated: 2026-04-20. Review status: criteria provided, single submitter. Criteria: LabCorp Variant Classification Summary - May 2015. Collection method: clinical testing. Allele origin: germline.
Comment: Variant summary: The variant involves the deletion of exon 21 and a part of exon 22 in the ABCA7 gene. A presumed nomenclature of c.(2824+1_2825-1)_2999del has been designated for the purposes of this classification. Since this Copy Number Variant (CNV) involves a partial deletion of exon 22, it spans a canonical splice-site and therefore is predicted to result in loss-of-function. Although current evidence is not sufficient to establish loss of function as a mechanism for disease, an association between loss-of-function variants in the ABCA7 gene and susceptibility to Alzheimer disease has been described in the literature by case-control studies (PMIDs: 25807283, 26141617, 26101835, 27037229, 36411364), and a recent in vitro functional study demonstrated impaired mitochondrial function, increased oxidative stress and disrupted phosphatidylcholine metabolism in induced pluripotent stem (iPS)-cell-derived neurons with (homozygous) ABCA7 loss-of-function variants (PMID 40931065). The variant was absent in 120776 control chromosomes in the gnomAD database (Structural Variants v4.1 dataset). To our knowledge, no occurrence of c.(2824+1_2825-1)_2999del in individuals affected with ABCA7-related conditions and no experimental evidence demonstrating its impact on protein function have been reported. No submitters have cited clinical-significance assessments for this variant to ClinVar. Based on the evidence outlined above, the variant was classified as VUS-possibly pathogenic.